The following is an entry in ClinVar:

ClinVar aggregate classification (germline): Uncertain significance (1 of 4 stars; one submission).

Conditions:
Wilson disease (WND). Also called: Wilson's disease. Identifiers: Orphanet 905, MedGen C0019202, MONDO:0010200, OMIM 277900. Disease mechanism: loss of function.

Submission:

All of Us Research Program, National Institutes of Health
Classification: Uncertain significance for Wilson disease. Last evaluated: 2024-03-14. Review status: criteria provided, single submitter. Criteria: ACMG Guidelines, 2015. Collection method: clinical testing. Allele origin: germline. Inheritance: Autosomal recessive inheritance. Observed: 2 variant alleles, 2 heterozygotes.
Comment: This missense variant replaces methionine with valine at codon 1280 of the ATP7B protein. Computational prediction suggests that this variant may not impact protein structure and function (internally defined REVEL score threshold <= 0.5, PMID: 27666373). To our knowledge, functional studies have not been reported for this variant. This variant has not been reported in individuals affected with ATP7B-related disorders in the literature. This variant has not been identified in the general population by the Genome Aggregation Database (gnomAD). The available evidence is insufficient to determine the role of this variant in disease conclusively. Therefore, this variant is classified as a Variant of Uncertain Significance.

This study involves interpretation of variants in research participants for the purpose of population health screening. Participant phenotype was not available at the time of variant classification. Additional details can be found in publication PMID: 35346344, PMCID: PMC8962531

NM_000053.4(ATP7B):c.3838A>G (p.Met1280Val)

Gene: ATP7B (ATPase copper transporting beta; minus strand). Cytogenetic location: 13q14.3.
Variant type: single nucleotide variant.
Coding change: c.3838A>G on transcript NM_000053.4 (MANE Select); coding-DNA position 3838, A replaced by G.
Protein change: p.Met1280Val; replaces methionine 1280 with valine.
Molecular consequence: missense variant. On other transcripts: intron variant (1).
Genome position (GRCh38, 1-based): chr13:51,937,541, T>C on the plus strand (A>G on the coding strand, the complement: ATP7B is on the minus strand). VCF-style: chr13-51937541-T-C. GRCh37 (hg19) VCF-style: chr13-52511677-T-C.
Other names: c.3784A>G, p.Met1262Val (NM_001406516.1, NM_001406515.1); c.3742A>G, p.Met1248Val (NM_001406517.1, NM_001406518.1); c.3703A>G, p.Met1235Val (NM_001406519.1); c.3694A>G, p.Met1232Val (NM_001406520.1, NM_001406521.1, NM_001406522.1); c.3655A>G, p.Met1219Val (NM_001406523.1); c.3661A>G, p.Met1221Val (NM_001406524.1); c.3643A>G, p.Met1215Val (NM_001406525.1); c.3604A>G, p.Met1202Val (NM_001406527.1, NM_001406528.1, NM_001330578.2); and 21 more; short protein forms M1053V, M1064V, M1073V, M1086V, M1116V, M1118V, M1131V, M1137V.
Identifiers: ClinVar variation 3075584 (VCV003075584.2), dbSNP rs2547567757, ClinGen allele CA388021751.
Genomic context (GRCh38, chr13:51,937,541, plus strand): 5'-TAAGGACGACGTCGGCTGCCTCGATGGCCACATCCGTGCCGGTGCCAATGGCCACACCCA[T>C]GTCTGCCTGGGCCAAGGCCGGGGAGTCATTGACCCCATCCCCCACCATGGCGACTTTCTT-3'
Protein context (NP_000044.2, residues 1270-1290): NDSPALAQAD[Met1280Val]GVAIGTGTDV